The following is an entry in ClinVar:

ClinVar aggregate classification (germline): Likely benign (1 of 4 stars; one submission).

Submission:

GeneDx
Classification: Likely benign. Last evaluated: 2017-11-15. Review status: criteria provided, single submitter. Criteria: GeneDx Variant Classification (06012015). Collection method: clinical testing. Allele origin: germline. Affected: yes.
Comment: This variant is considered likely benign or benign based on one or more of the following criteria: it is a conservative change, it occurs at a poorly conserved position in the protein, it is predicted to be benign by multiple in silico algorithms, and/or has population frequency not consistent with disease.

NM_001267550.2(TTN):c.93232A>G (p.Asn31078Asp)

Genes: TTN (titin; minus strand), TTN-AS1 (TTN antisense RNA 1; plus strand). Cytogenetic location: 2q31.2.
Variant type: single nucleotide variant.
Coding change: c.93232A>G on transcript NM_001267550.2 (MANE Select); coding-DNA position 93232, A replaced by G.
Protein change: p.Asn31078Asp; replaces asparagine 31078 with aspartic acid.
Molecular consequence: missense variant.
Genome position (GRCh38, 1-based): chr2:178,548,394, T>C on the plus strand (A>G on the coding strand, the complement: TTN is on the minus strand). VCF-style: chr2-178548394-T-C. GRCh37 (hg19) VCF-style: chr2-179413121-T-C.
Other names: c.88309A>G, p.Asn29437Asp (NM_001256850.1); c.66037A>G, p.Asn22013Asp (NM_003319.4); c.85528A>G, p.Asn28510Asp (NM_133378.4); c.66412A>G, p.Asn22138Asp (NM_133432.3); c.66613A>G, p.Asn22205Asp (NM_133437.4); short protein forms N29437D, N31078D, N28510D, N22013D, N22205D, N22138D.
Identifiers: ClinVar variation 513564 (VCV000513564.1), dbSNP rs1553530373, ClinGen allele CA349486818.